The following is an entry in ClinVar:

ClinVar aggregate classification (germline): Likely benign. Review status: criteria provided, multiple submitters, no conflicts (2 of 4 stars). 6 submissions from 6 submitters: Likely benign (3). 3 of the submissions do not count toward it. Last evaluated 2025-12-10.

Conditions:
DNMT1-related disorder. Also called: DNMT1-related condition. Identifiers: MedGen CN381527.
Hereditary sensory neuropathy-deafness-dementia syndrome. Also called: NEUROPATHY, HEREDITARY SENSORY, WITH HEARING LOSS AND DEMENTIA; Hereditary Sensory and Autonomic Neuropathy Type 1E (HSAN1E); HSN IE; Hereditary sensory neuropathy type IE. Identifiers: Orphanet 456318, MedGen C3279885, MONDO:0013584, OMIM 614116.

Allele frequency attached by ClinVar (database versions not stated): gnomAD exomes 0.00004 and 0.00009; gnomAD 0.00006; ExAC 0.00008; TOPMed 0.00009; ESP Exome Variant Server 0.00023.
gnomAD v4.1: 81 of 1,604,390 alleles (0.005%); highest among the groups gnomAD compares: Middle Eastern, 0.12%; 1 homozygote.

Submissions (6):

Labcorp Genetics (formerly Invitae), Labcorp
Classification: Likely benign for Hereditary sensory neuropathy-deafness-dementia syndrome. Last evaluated: 2025-12-10. Review status: criteria provided, single submitter. Criteria: Invitae Variant Classification Sherloc (09022015). Collection method: clinical testing. Allele origin: germline.

PreventionGenetics, part of Exact Sciences
Classification: Likely benign for DNMT1-related condition. Last evaluated: 2025-04-14. Review status: criteria provided, single submitter. Criteria: ACMG Guidelines, 2015. Collection method: clinical testing. Allele origin: germline.
Comment: This variant is classified as likely benign based on ACMG/AMP sequence variant interpretation guidelines (Richards et al. 2015 PMID: 25741868, with internal and published modifications).

Blueprint Genetics
Classification: Likely benign. Last evaluated: 2024-11-20. Review status: criteria provided, single submitter. Criteria: ACMG Guidelines, 2015. Collection method: clinical testing. Allele origin: germline.

Clinical Genetics DNA and cytogenetics Diagnostics Lab, Erasmus MC, Erasmus Medical Center
Classification: Likely benign. Review status: no assertion criteria provided. Collection method: clinical testing. Allele origin: germline. Affected: yes. Study: VKGL Data-share Consensus. Not counted in ClinVar's aggregate classification.

Clinical Genetics, Academic Medical Center
Classification: Likely benign. Review status: no assertion criteria provided. Collection method: clinical testing. Allele origin: germline. Affected: yes. Study: VKGL Data-share Consensus. Not counted in ClinVar's aggregate classification.

Genome Diagnostics Laboratory, University Medical Center Utrecht
Classification: Likely benign. Review status: no assertion criteria provided. Collection method: clinical testing. Allele origin: germline. Affected: yes. Study: VKGL Data-share Consensus. Not counted in ClinVar's aggregate classification.

NM_001130823.3(DNMT1):c.3960C>T (p.Tyr1320=)

Gene: DNMT1 (DNA methyltransferase 1; minus strand). Cytogenetic location: 19p13.2.
Variant type: single nucleotide variant.
Coding change: c.3960C>T on transcript NM_001130823.3 (MANE Select); coding-DNA position 3960, C replaced by T.
Protein change: p.Tyr1320=; no amino-acid change (tyrosine 1320 retained).
Molecular consequence: synonymous variant.
Genome position (GRCh38, 1-based): chr19:10,138,594, G>A on the plus strand (C>T on the coding strand, the complement: DNMT1 is on the minus strand). VCF-style: chr19-10138594-G-A. GRCh37 (hg19) VCF-style: chr19-10249270-G-A.
Other names: c.3912C>T, p.Tyr1304= (NM_001318730.2, NM_001379.4); c.3597C>T, p.Tyr1199= (NM_001318731.2); c.3960C>T (NM_001130823.2).
Identifiers: ClinVar variation 706182 (VCV000706182.15), dbSNP rs139728982, ClinGen allele CA9187619.